The following is an entry in ClinVar:

NM_014254.3(RXYLT1):c.1141G>T (p.Ala381Ser)

Genes: RXYLT1 (ribitol xylosyltransferase 1; plus strand), RXYLT1-AS1 (RXYLT1 antisense RNA 1; minus strand). Cytogenetic location: 12q14.2.
Variant type: single nucleotide variant.
Coding change: c.1141G>T on transcript NM_014254.3 (MANE Select); coding-DNA position 1141, G replaced by T.
Protein change: p.Ala381Ser; replaces alanine 381 with serine.
Molecular consequence: missense variant. On other transcripts: non-coding transcript variant (1).
Genome position (GRCh38, 1-based): chr12:63,808,901, G>T. VCF-style: chr12-63808901-G-T. GRCh37 (hg19) VCF-style: chr12-64202681-G-T.
Other names: c.361G>T, p.Ala121Ser (NM_001278237.2); c.1141G>T (NM_014254.1); short protein forms A121S, A381S.
Identifiers: ClinVar variation 1503812 (VCV001503812.4), dbSNP rs1218706813, ClinGen allele CA385660260.
Genomic context (GRCh38, chr12:63,808,901, plus strand): 5'-AACTGTGGGAATACATCTGTGCACCACGGTGCTCCTCTGCAGTTACTCAAGTCCATGGGT[G>T]CTCCCTTTATCTTTATCAAGAACTGGAAGGAACTCCCTGCTGTTTTAGAAAAAGAGAAAA-3'
Protein context (NP_055069.1, residues 371-391): APLQLLKSMG[Ala381Ser]PFIFIKNWKE

ClinVar aggregate classification (germline): Uncertain significance. Review status: criteria provided, multiple submitters, no conflicts (2 of 4 stars). 2 submissions from 2 submitters: Uncertain significance (2). Last evaluated 2025-10-24.

Conditions:
Inborn genetic diseases. Identifiers: MedGen C0950123, MeSH D030342.

Allele frequency attached by ClinVar (database versions not stated): gnomAD exomes below 0.00001; TOPMed 0.00002.
gnomAD v4.1: 1 of 1,614,100 alleles (0.000062%); highest among the groups gnomAD compares: African/African-American, 0.0013%; no homozygotes.

Submissions (2):

Ambry Genetics
Classification: Uncertain significance for Inborn genetic diseases. Last evaluated: 2025-10-24. Review status: criteria provided, single submitter. Criteria: Ambry Variant Classification Scheme 2023. Collection method: clinical testing. Allele origin: germline.

Labcorp Genetics (formerly Invitae), Labcorp
Classification: Uncertain significance. Last evaluated: 2021-11-28. Review status: criteria provided, single submitter. Criteria: Invitae Variant Classification Sherloc (09022015). Collection method: clinical testing. Allele origin: germline.
Comment: This sequence change replaces alanine, which is neutral and non-polar, with serine, which is neutral and polar, at codon 381 of the RXYLT1 protein (p.Ala381Ser). This variant is not present in population databases (gnomAD no frequency). This variant has not been reported in the literature in individuals affected with RXYLT1-related conditions. Algorithms developed to predict the effect of missense changes on protein structure and function (SIFT, PolyPhen-2, Align-GVGD) all suggest that this variant is likely to be disruptive. In summary, the available evidence is currently insufficient to determine the role of this variant in disease. Therefore, it has been classified as a Variant of Uncertain Significance.